The following is an entry in ClinVar:

ClinVar aggregate classification (germline): Uncertain significance. Review status: criteria provided, multiple submitters, no conflicts (2 of 4 stars). 2 submissions from 2 submitters: Uncertain significance (2). Last evaluated 2025-02-08.

Conditions:
Inborn genetic diseases. Identifiers: MedGen C0950123, MeSH D030342.
Mosaic variegated aneuploidy syndrome 2 (MVA2). Identifiers: Orphanet 1052, MedGen C3279843, MONDO:0013582, OMIM 614114.

Submissions (2):

Ambry Genetics
Classification: Uncertain significance for Inborn genetic diseases. Last evaluated: 2025-02-08. Review status: criteria provided, single submitter. Criteria: Ambry Variant Classification Scheme 2023. Collection method: clinical testing. Allele origin: germline.
Comment: The p.C497F variant (also known as c.1490G>T), located in coding exon 11 of the CEP57 gene, results from a G to T substitution at nucleotide position 1490. The cysteine at codon 497 is replaced by phenylalanine, an amino acid with highly dissimilar properties. This amino acid position is conserved. In addition, this alteration is predicted to be tolerated by in silico analysis. Based on the available evidence, the clinical significance of this variant remains unclear.

Labcorp Genetics (formerly Invitae), Labcorp
Classification: Uncertain significance for Mosaic variegated aneuploidy syndrome 2. Last evaluated: 2024-03-23. Review status: criteria provided, single submitter. Criteria: Invitae Variant Classification Sherloc (09022015). Collection method: clinical testing. Allele origin: germline.
Comment: This sequence change replaces cysteine, which is neutral and slightly polar, with phenylalanine, which is neutral and non-polar, at codon 497 of the CEP57 protein (p.Cys497Phe). This variant is not present in population databases (gnomAD no frequency). This variant has not been reported in the literature in individuals affected with CEP57-related conditions. An algorithm developed to predict the effect of missense changes on protein structure and function (PolyPhen-2) suggests that this variant is likely to be disruptive. In summary, the available evidence is currently insufficient to determine the role of this variant in disease. Therefore, it has been classified as a Variant of Uncertain Significance.

NM_014679.5(CEP57):c.1490G>T (p.Cys497Phe)

Gene: CEP57 (centrosomal protein 57; plus strand). Cytogenetic location: 11q21.
Variant type: single nucleotide variant.
Coding change: c.1490G>T on transcript NM_014679.5 (MANE Select); coding-DNA position 1490, G replaced by T.
Protein change: p.Cys497Phe; replaces cysteine 497 with phenylalanine.
Molecular consequence: missense variant.
Genome position (GRCh38, 1-based): chr11:95,831,243, G>T. VCF-style: chr11-95831243-G-T. GRCh37 (hg19) VCF-style: chr11-95564407-G-T.
Other names: c.1490G>T (NM_014679.4); c.1463G>T, p.Cys488Phe (NM_001243776.2); c.1412G>T, p.Cys471Phe (NM_001243777.2); c.1409G>T, p.Cys470Phe (NM_001363604.2); short protein forms C470F, C471F, C488F, C497F.
Identifiers: ClinVar variation 3624772 (VCV003624772.3).
Genomic context (GRCh38, chr11:95,831,243, plus strand): 5'-ATCTTCAGTTATTGAAGGACATGCAAAGCATACAGAATTCATTACAAAGCAGTAGTTTGT[G>T]TTGGGATTACTGACTCATAACCAGGTCAGAAATTTTATTCAGATAATCTGTACCTCATCA-3'
Protein context (NP_055494.2, residues 487-500): IQNSLQSSSL[Cys497Phe]WDY